The following is an entry in ClinVar:

NM_001103.4(ACTN2):c.1294G>C (p.Ala432Pro)

Gene: ACTN2 (actinin alpha 2; plus strand). Cytogenetic location: 1q43.
Variant type: single nucleotide variant.
Coding change: c.1294G>C on transcript NM_001103.4 (MANE Select); coding-DNA position 1294, G replaced by C.
Protein change: p.Ala432Pro; replaces alanine 432 with proline.
Molecular consequence: missense variant.
Genome position (GRCh38, 1-based): chr1:236,744,664, G>C. VCF-style: chr1-236744664-G-C. GRCh37 (hg19) VCF-style: chr1-236907964-G-C.
Other names: c.1294G>C, p.Ala432Pro (NM_001278343.2); c.670G>C, p.Ala224Pro (NM_001278344.2); c.544G>C, p.Ala182Pro (NM_001412150.1); short protein forms A182P, A224P, A432P.
Identifiers: ClinVar variation 2057917 (VCV002057917.4), dbSNP rs2527614289, ClinGen allele CA345382675.

ClinVar aggregate classification (germline): Uncertain significance (1 of 4 stars; one submission).

Conditions:
Dilated cardiomyopathy 1AA (CMD1AA). Also called: CARDIOMYOPATHY, FAMILIAL HYPERTROPHIC, 23, WITH OR WITHOUT LEFT VENTRICULAR NONCOMPACTION; CARDIOMYOPATHY, DILATED, 1AA, WITH OR WITHOUT LEFT VENTRICULAR NONCOMPACTION; Cardiomyopathy, dilated, 1AA, with or without LVNC. Identifiers: Orphanet 154, MedGen C2677338, MONDO:0012808, OMIM 612158.
Primary familial hypertrophic cardiomyopathy (HCM). Identifiers: Orphanet 99739, MedGen C0949658, MeSH D024741, MONDO:0024573. Inheritance: Various modes of inheritance.

Submission:

Labcorp Genetics (formerly Invitae), Labcorp
Classification: Uncertain significance for Primary familial hypertrophic cardiomyopathy; Dilated cardiomyopathy 1AA. Last evaluated: 2021-12-24. Review status: criteria provided, single submitter. Criteria: Invitae Variant Classification Sherloc (09022015). Collection method: clinical testing. Allele origin: germline.
Comment: This sequence change replaces alanine, which is neutral and non-polar, with proline, which is neutral and non-polar, at codon 432 of the ACTN2 protein (p.Ala432Pro). This variant is not present in population databases (gnomAD no frequency). This variant has not been reported in the literature in individuals affected with ACTN2-related conditions. Advanced modeling of protein sequence and biophysical properties (such as structural, functional, and spatial information, amino acid conservation, physicochemical variation, residue mobility, and thermodynamic stability) performed at Invitae indicates that this missense variant is not expected to disrupt ACTN2 protein function. In summary, the available evidence is currently insufficient to determine the role of this variant in disease. Therefore, it has been classified as a Variant of Uncertain Significance.